The following is an entry in ClinVar:

NM_172250.3(MMAA):c.552T>A (p.Cys184Ter)

Gene: MMAA (metabolism of cobalamin associated A; plus strand). Cytogenetic location: 4q31.21.
Variant type: single nucleotide variant.
Coding change: c.552T>A on transcript NM_172250.3 (MANE Select); coding-DNA position 552, T replaced by A.
Protein change: p.Cys184Ter; replaces cysteine 184 with a stop codon.
Molecular consequence: nonsense.
Genome position (GRCh38, 1-based): chr4:145,642,475, T>A. VCF-style: chr4-145642475-T-A. GRCh37 (hg19) VCF-style: chr4-146563627-T-A.
Other names: c.552T>A, p.Cys184Ter (NM_001375644.1); short protein forms C184*.
Identifiers: ClinVar variation 983965 (VCV000983965.3), dbSNP rs1727814966, ClinGen allele CA358355197.
Genomic context (GRCh38, chr4:145,642,475, plus strand): 5'-AAAAATGCTTACTGAGAGAGGGCACAAATTATCTGTGCTAGCTGTGGACCCTTCTTCTTG[T>A]ACTAGTGGTGGTAAGTATGGCTGATTCTTTTTCAATTGCAGAGGTCTGGGGGCTTTCTGT-3'

ClinVar aggregate classification (germline): Likely pathogenic (1 of 4 stars; one submission).

Conditions:
Methylmalonic aciduria, cblA type (MACA). Also called: Methylmalonic aciduria, vitamin B12-responsive; Methylmalonic aciduria, vitamin b12-responsive, due to defect in synthesis of adenosylcobalamin, cbla complementation type; MMA cbl A type; Methylmalonic acidemia cblA type; Vitamin B12-responsive methylmalonic acidemia type cblA. Identifiers: Orphanet 28, Orphanet 79310, MedGen C1855109, MONDO:0009613, OMIM 251100.

Submission:

Myriad Genetics, Inc.
Classification: Likely pathogenic for Methylmalonic aciduria, cblA type. Last evaluated: 2019-03-25. Review status: criteria provided, single submitter. Criteria: Myriad Women's Health Autosomal Recessive and X-Linked Classification Criteria (2019). Collection method: clinical testing. Allele origin: unknown.
Comment: NM_172250.2(MMAA):c.552T>A(C184*) is expected to be pathogenic in the context of methylmalonic acidemia, cblA type. This variant is predicted to lead to an abnormal or absent protein product due to the creation of a premature termination codon in MMAA, a gene where loss-of-function variants are known to be pathogenic. Please note: this variant was assessed in the context of healthy population screening.